The following is an entry in ClinVar:

NM_017672.6(TRPM7):c.4928A>G (p.His1643Arg)

Gene: TRPM7 (transient receptor potential cation channel subfamily M member 7; minus strand). Cytogenetic location: 15q21.2.
Variant type: single nucleotide variant.
Coding change: c.4928A>G on transcript NM_017672.6 (MANE Select); coding-DNA position 4928, A replaced by G.
Protein change: p.His1643Arg; replaces histidine 1643 with arginine.
Molecular consequence: missense variant. On other transcripts: non-coding transcript variant (3).
Genome position (GRCh38, 1-based): chr15:50,574,943, T>C on the plus strand (A>G on the coding strand, the complement: TRPM7 is on the minus strand). VCF-style: chr15-50574943-T-C. GRCh37 (hg19) VCF-style: chr15-50867140-T-C.
Other names: c.4925A>G, p.His1642Arg (NM_001301212.2); c.4928A>G (NM_017672.4); short protein forms H1642R, H1643R.
Identifiers: ClinVar variation 1683689 (VCV001683689.3), dbSNP rs909275553, ClinGen allele CA270486619.
Genomic context (GRCh38, chr15:50,574,943, plus strand): 5'-TTGTAAATACTTGACCATGTATTAACCACCTCTGGAAGAAAAGATTTGATAATATAAAGA[T>C]GCCCTGATTTGAGGATATCATGTTCTGACCAGGTACACTGTACTTTGACAGCTCTTCGTA-3'
Protein context (NP_060142.3, residues 1633-1653): WSEHDILKSG[His1643Arg]LYIIKSFLPE

ClinVar aggregate classification (germline): Uncertain significance. Review status: criteria provided, multiple submitters, no conflicts (2 of 4 stars). 2 submissions from 2 submitters: Uncertain significance (2). Last evaluated 2025-03-28.

Conditions:
Amyotrophic lateral sclerosis-parkinsonism-dementia complex. Also called: AMYOTROPHIC LATERAL SCLEROSIS-PARKINSONISM/DEMENTIA COMPLEX 1; GUAM DISEASE. Identifiers: Orphanet 90020, MedGen C0543859, MONDO:0007104, OMIM 105500.

Allele frequency attached by ClinVar (database versions not stated): gnomAD 0.00001; TOPMed 0.00001.
gnomAD v4.1: 3 of 1,614,018 alleles (0.00019%); highest among the groups gnomAD compares: African/African-American, 0.004%; no homozygotes.

Submissions (2):

Ambry Genetics
Classification: Uncertain significance. Last evaluated: 2025-03-28. Review status: criteria provided, single submitter. Criteria: Ambry Variant Classification Scheme 2023. Collection method: clinical testing. Allele origin: germline.

Laboratorio de Genetica e Diagnostico Molecular, Hospital Israelita Albert Einstein
Classification: Uncertain significance for Amyotrophic lateral sclerosis-parkinsonism-dementia complex. Last evaluated: 2021-08-31. Review status: criteria provided, single submitter. Criteria: ACMG Guidelines, 2015. Collection method: clinical testing. Allele origin: germline. Affected: yes.
Comment: ACMG classification criteria: PM2 moderate, BP4 supporting